The following is an entry in ClinVar:

NM_004006.3(DMD):c.7907dup (p.Asn2636fs)

Gene: DMD (dystrophin; minus strand). Cytogenetic location: Xp21.1.
Variant type: Duplication.
Coding change: c.7907dup on transcript NM_004006.3 (MANE Select); coding-DNA position 7907, one base duplicated (A; older notation c.7907dupA).
Protein change: p.Asn2636fs; shifts the reading frame from asparagine 2636.
Molecular consequence: frameshift variant.
Genome position (GRCh38, 1-based): chrX:31,658,110, T duplicated on the plus strand (A on the coding strand, the reverse complement: DMD is on the minus strand); the first of 3 consecutive T bases (chrX:31,658,110-31,658,112); duplicating any one gives the same sequence. VCF-style (leftmost placement, unchanged base first): chrX-31658109-A-AT. GRCh37 (hg19) VCF-style: chrX-31676226-A-AT.
Other names: c.7883dup, p.Asn2628fs (NM_000109.4); c.7895dup, p.Asn2632fs (NM_004009.3); c.7538dup, p.Asn2513fs (NM_004010.3); c.3884dup, p.Asn1295fs (NM_004011.4); c.3875dup, p.Asn1292fs (NM_004012.4); c.527dup, p.Asn176fs (NM_004013.3, NM_004020.4, NM_004021.3 and 2 more transcripts); short protein forms N1292fs, N1295fs, N176fs, N2513fs, N2628fs, N2632fs, N2636fs.
Identifiers: ClinVar variation 4085942 (VCV004085942.8).

ClinVar aggregate classification (germline): Pathogenic (1 of 4 stars; one submission).

Submission:

CeGaT Center for Human Genetics Tuebingen
Classification: Pathogenic. Last evaluated: 2025-08-01. Review status: criteria provided, single submitter. Criteria: CeGaT Center For Human Genetics Tuebingen Variant Classification Criteria Version 2. Collection method: clinical testing. Allele origin: germline. Affected: yes. Observed: 1 variant allele.
Comment: DMD: PVS1, PM2